The following is an entry in ClinVar:

ClinVar aggregate classification (germline): Uncertain significance. Review status: criteria provided, multiple submitters, no conflicts (2 of 4 stars). 4 submissions from 4 submitters: Uncertain significance (4). Last evaluated 2024-03-06.

Conditions:
Familial thoracic aortic aneurysm and aortic dissection (TAAD). Also called: Thoracic aortic aneurysms and dissections. Identifiers: Orphanet 91387, MedGen C4707243, MONDO:0019625.
Ehlers-Danlos syndrome, type 4 (EDSVASC). Also called: Ehlers-Danlos syndrome vascular type; Ehlers Danlos syndrome, ecchymotic type; Ehlers Danlos syndrome, arterial type; Ehlers Danlos syndrome, Sack-Barabas type; Ehlers-Danlos Syndrome Type IV. Identifiers: Orphanet 286, MedGen C0268338, MONDO:0017314, OMIM 130050.

Allele frequency attached by ClinVar (database versions not stated): gnomAD exomes below 0.00001; gnomAD 0.00001; TOPMed 0.00001.
gnomAD v4.1: 5 of 1,613,862 alleles (0.00031%); highest among the groups gnomAD compares: African/African-American, 0.0013%; no homozygotes.

Submissions (4):

Color Diagnostics, LLC DBA Color Health
Classification: Uncertain significance for Familial thoracic aortic aneurysm and aortic dissection. Last evaluated: 2024-03-06. Review status: criteria provided, single submitter. Criteria: ACMG Guidelines, 2015. Collection method: clinical testing. Allele origin: germline.
Comment: This missense variant replaces asparagine with aspartic acid at codon 593 of the COL3A1 protein. Computational prediction suggests that this variant may not impact protein structure and function (internally defined REVEL score threshold <= 0.5, PMID: 27666373). To our knowledge, functional studies have not been reported for this variant. This variant has not been reported in individuals affected with cardiovascular disorders in the literature. This variant has been identified in 1/31366 chromosomes in the general population by the Genome Aggregation Database (gnomAD). The available evidence is insufficient to determine the role of this variant in disease conclusively. Therefore, this variant is classified as a Variant of Uncertain Significance.

All of Us Research Program, National Institutes of Health
Classification: Uncertain significance for Ehlers-Danlos syndrome, type 4. Last evaluated: 2023-12-01. Review status: criteria provided, single submitter. Criteria: ACMG Guidelines, 2015. Collection method: clinical testing. Allele origin: germline. Inheritance: Autosomal dominant inheritance. Observed: 2 variant alleles, 2 heterozygotes.
Comment: This missense variant replaces asparagine with aspartic acid at codon 593 of the COL3A1 protein. Computational prediction suggests that this variant may not impact protein structure and function (internally defined REVEL score threshold <= 0.5, PMID: 27666373). To our knowledge, functional studies have not been reported for this variant. This variant has not been reported in individuals affected with cardiovascular disorders in the literature. This variant has been identified in 1/31366 chromosomes in the general population by the Genome Aggregation Database (gnomAD). The available evidence is insufficient to determine the role of this variant in disease conclusively. Therefore, this variant is classified as a Variant of Uncertain Significance.

This study involves interpretation of variants in research participants for the purpose of population health screening. Participant phenotype was not available at the time of variant classification. Additional details can be found in publication PMID: 35346344, PMCID: PMC8962531

Labcorp Genetics (formerly Invitae), Labcorp
Classification: Uncertain significance for Ehlers-Danlos syndrome, type 4. Last evaluated: 2023-08-28. Review status: criteria provided, single submitter. Criteria: Invitae Variant Classification Sherloc (09022015). Collection method: clinical testing. Allele origin: germline.
Comment: ClinVar contains an entry for this variant (Variation ID: 629169). This sequence change replaces asparagine, which is neutral and polar, with aspartic acid, which is acidic and polar, at codon 593 of the COL3A1 protein (p.Asn593Asp). This variant is present in population databases (no rsID available, gnomAD 0.007%). This variant has not been reported in the literature in individuals affected with COL3A1-related conditions. Advanced modeling of protein sequence and biophysical properties (such as structural, functional, and spatial information, amino acid conservation, physicochemical variation, residue mobility, and thermodynamic stability) performed at Invitae indicates that this missense variant is not expected to disrupt COL3A1 protein function. In summary, the available evidence is currently insufficient to determine the role of this variant in disease. Therefore, it has been classified as a Variant of Uncertain Significance.

Dr. med. U. Finckh, Human Genetics, Eurofins MVZ
Classification: Uncertain significance for Ehlers-Danlos syndrome, type 4. Last evaluated: 2020-04-11. Review status: criteria provided, single submitter. Criteria: ACMG Guidelines, 2015. Collection method: clinical testing. Allele origin: unknown.

NM_000090.4(COL3A1):c.1777A>G (p.Asn593Asp)

Gene: COL3A1 (collagen type III alpha 1 chain; plus strand). Cytogenetic location: 2q32.2.
Variant type: single nucleotide variant.
Coding change: c.1777A>G on transcript NM_000090.4 (MANE Select); coding-DNA position 1777, A replaced by G.
Protein change: p.Asn593Asp; replaces asparagine 593 with aspartic acid.
Molecular consequence: missense variant.
Genome position (GRCh38, 1-based): chr2:188,997,180, A>G. VCF-style: chr2-188997180-A-G. GRCh37 (hg19) VCF-style: chr2-189861906-A-G.
Other names: short protein forms N593D.
Identifiers: ClinVar variation 629169 (VCV000629169.8), dbSNP rs1435010100, ClinGen allele CA349853228.